The following is an entry in ClinVar:

NM_002230.4(JUP):c.2039G>A (p.Trp680Ter)

Gene: JUP (junction plakoglobin; minus strand). Cytogenetic location: 17q21.2.
Variant type: single nucleotide variant.
Coding change: c.2039G>A on transcript NM_002230.4 (MANE Select); coding-DNA position 2039, G replaced by A.
Protein change: p.Trp680Ter; replaces tryptophan 680 with a stop codon.
Molecular consequence: nonsense.
Genome position (GRCh38, 1-based): chr17:41,757,422, C>T on the plus strand (G>A on the coding strand, the complement: JUP is on the minus strand). VCF-style: chr17-41757422-C-T. GRCh37 (hg19) VCF-style: chr17-39913674-C-T.
Other names: c.2039G>A, p.Trp680Ter (NM_001352773.2, NM_001352774.2, NM_001352775.2 and 3 more transcripts); short protein forms W680*.
Identifiers: ClinVar variation 1363212 (VCV001363212.6), dbSNP rs2143416425, ClinGen allele CA399491701.

ClinVar aggregate classification (germline): Pathogenic (1 of 4 stars; one submission).

Conditions:
Naxos disease (NXD). Also called: KERATOSIS PALMOPLANTARIS WITH ARRHYTHMOGENIC CARDIOMYOPATHY; MAL DE NAXOS; CARDIOMYOPATHY, ARRHYTHMOGENIC RIGHT VENTRICULAR, WITH SKIN, HAIR, AND NAIL ABNORMALITIES; WOOLLY HAIR, PALMOPLANTAR KERATODERMA, AND CARDIAC ABNORMALITIES; PALMOPLANTAR KERATODERMA WITH ARRHYTHMOGENIC RIGHT VENTRICULAR CARDIOMYOPATHY AND WOOLLY HAIR. Identifiers: Orphanet 34217, MedGen C1832600, MONDO:0011017, OMIM 601214.
Arrhythmogenic right ventricular dysplasia 12. Also called: ARRHYTHMOGENIC RIGHT VENTRICULAR DYSPLASIA, FAMILIAL, 12. Identifiers: MedGen C1969081, MONDO:0012684, OMIM 611528.

Allele frequency attached by ClinVar (database versions not stated): gnomAD exomes 0.00002.
gnomAD v4.1: 34 of 1,614,240 alleles (0.0021%); highest among the groups gnomAD compares: Non-Finnish European, 0.0028%; no homozygotes.

Submission:

Labcorp Genetics (formerly Invitae), Labcorp
Classification: Pathogenic for Arrhythmogenic right ventricular dysplasia 12; Naxos disease. Last evaluated: 2023-05-30. Review status: criteria provided, single submitter. Criteria: Invitae Variant Classification Sherloc (09022015). Collection method: clinical testing. Allele origin: germline.
Comment: This sequence change creates a premature translational stop signal (p.Trp680*) in the JUP gene. It is expected to result in an absent or disrupted protein product. Loss-of-function variants in JUP are known to be pathogenic (PMID: 10902626). For these reasons, this variant has been classified as Pathogenic. ClinVar contains an entry for this variant (Variation ID: 1363212). This variant has not been reported in the literature in individuals affected with JUP-related conditions. This variant is not present in population databases (gnomAD no frequency).

Literature cited by the submitters: PubMed 10902626.